The following is an entry in ClinVar:

ClinVar aggregate classification (germline): Uncertain significance (1 of 4 stars; one submission).

Conditions:
Fanconi anemia complementation group J. Also called: BRIP1-Related Fanconi Anemia. Identifiers: Orphanet 84, MedGen C1836860, MONDO:0012187, OMIM 609054.
Familial cancer of breast. Also called: BREAST CANCER, FAMILIAL; Hereditary breast cancer; hereditary breast carcinoma. Identifiers: Orphanet 227535, MedGen C0346153, MONDO:0016419, OMIM 114480. Disease mechanism: loss of function.

Allele frequency attached by ClinVar (database versions not stated): gnomAD 0.00001.
gnomAD v4.1: 1 of 1,613,596 alleles (0.000062%); highest among the groups gnomAD compares: African/African-American, 0.0013%; no homozygotes.

Submission:

Labcorp Genetics (formerly Invitae), Labcorp
Classification: Uncertain significance for Familial cancer of breast; Fanconi anemia complementation group J. Last evaluated: 2023-08-27. Review status: criteria provided, single submitter. Criteria: Invitae Variant Classification Sherloc (09022015). Collection method: clinical testing. Allele origin: germline.
Comment: In summary, the available evidence is currently insufficient to determine the role of this variant in disease. Therefore, it has been classified as a Variant of Uncertain Significance. An algorithm developed to predict the effect of missense changes on protein structure and function (PolyPhen-2) suggests that this variant is likely to be tolerated. ClinVar contains an entry for this variant (Variation ID: 1486893). This variant has not been reported in the literature in individuals affected with BRIP1-related conditions. This variant is not present in population databases (gnomAD no frequency). This sequence change replaces arginine, which is basic and polar, with glycine, which is neutral and non-polar, at codon 999 of the BRIP1 protein (p.Arg999Gly).

NM_032043.3(BRIP1):c.2995A>G (p.Arg999Gly)

Gene: BRIP1 (BRCA1 interacting DNA helicase 1; minus strand). Cytogenetic location: 17q23.2.
Variant type: single nucleotide variant.
Coding change: c.2995A>G on transcript NM_032043.3 (MANE Select); coding-DNA position 2995, A replaced by G.
Protein change: p.Arg999Gly; replaces arginine 999 with glycine.
Molecular consequence: missense variant.
Genome position (GRCh38, 1-based): chr17:61,684,051, T>C on the plus strand (A>G on the coding strand, the complement: BRIP1 is on the minus strand). VCF-style: chr17-61684051-T-C. GRCh37 (hg19) VCF-style: chr17-59761412-T-C.
Other names: short protein forms R999G.
Identifiers: ClinVar variation 1486893 (VCV001486893.7), dbSNP rs2061323811, ClinGen allele CA400480035.